The following is an entry in ClinVar:

NM_004958.4(MTOR):c.4254-2A>T

Gene: MTOR (mechanistic target of rapamycin kinase; minus strand). Cytogenetic location: 1p36.22.
Variant type: single nucleotide variant.
Coding change: c.4254-2A>T on transcript NM_004958.4 (MANE Select); the canonical splice acceptor site of the intron before coding-DNA position 4254, A replaced by T.
Molecular consequence: splice acceptor variant.
Genome position (GRCh38, 1-based): chr1:11,167,519, T>A on the plus strand (A>T on the coding strand, the complement: MTOR is on the minus strand). VCF-style: chr1-11167519-T-A. GRCh37 (hg19) VCF-style: chr1-11227576-T-A.
Other names: c.3006-2A>T (NM_001386501.1); c.4254-2A>T (NM_001386500.1).
Identifiers: ClinVar variation 4535941 (VCV004535941.1).

ClinVar aggregate classification (germline): Uncertain significance (1 of 4 stars; one submission).

Submission:

Women's Health and Genetics/Laboratory Corporation of America, LabCorp
Classification: Uncertain significance. Last evaluated: 2025-09-26. Review status: criteria provided, single submitter. Criteria: LabCorp Variant Classification Summary - May 2015. Collection method: clinical testing. Allele origin: germline.
Comment: Variant summary: MTOR c.4254-2A>T is located in a canonical splice-site and is predicted to affect mRNA splicing resulting in a significantly altered protein due to either exon skipping, shortening, or inclusion of intronic material. Variants that disrupt the consensus splice site are a relatively common cause of aberrant splicing, however current evidence is not sufficient to establish loss of function as a mechanism for disease. Several computational tools predict a significant impact on normal splicing: Four predict the variant abolishes a 3' acceptor site. However, these predictions have yet to be confirmed by functional studies. The variant was absent in 249428 control chromosomes. The available data on variant occurrences in the general population are insufficient to allow any conclusion about variant significance. To our knowledge, no occurrence of c.4254-2A>T in individuals affected with MTOR-related conditions and no experimental evidence demonstrating its impact on protein function have been reported. No submitters have cited clinical-significance assessments for this variant to ClinVar. Based on the evidence outlined above, the variant was classified as uncertain significance.